The following is an entry in ClinVar:

NM_004006.3(DMD):c.7653G>A (p.Thr2551=)

Gene: DMD (dystrophin; minus strand). Cytogenetic location: Xp21.1.
Variant type: single nucleotide variant.
Coding change: c.7653G>A on transcript NM_004006.3 (MANE Select); coding-DNA position 7653, G replaced by A.
Protein change: p.Thr2551=; no amino-acid change (threonine 2551 retained).
Molecular consequence: synonymous variant.
Genome position (GRCh38, 1-based): chrX:31,729,638, C>T on the plus strand (G>A on the coding strand, the complement: DMD is on the minus strand). VCF-style: chrX-31729638-C-T. GRCh37 (hg19) VCF-style: chrX-31747755-C-T.
Other names: c.7629G>A, p.Thr2543= (NM_000109.4); c.7641G>A, p.Thr2547= (NM_004009.3); c.7284G>A, p.Thr2428= (NM_004010.3); c.3630G>A, p.Thr1210= (NM_004011.4); c.3621G>A, p.Thr1207= (NM_004012.4); c.273G>A, p.Thr91= (NM_004013.3, NM_004020.4, NM_004021.3 and 2 more transcripts).
Identifiers: ClinVar variation 94771 (VCV000094771.65), dbSNP rs368803197, ClinGen allele CA147856.

ClinVar aggregate classification (germline): Conflicting classifications of pathogenicity. Review status: criteria provided, conflicting classifications (1 of 4 stars). 10 submissions from 10 submitters: Uncertain significance (1); Benign (2); Likely benign (5). 2 of the submissions do not count toward it. Last evaluated 2026-01-26.

Conditions:
Dystrophin deficiency.
Duchenne muscular dystrophy (DMD). Also called: MUSCULAR DYSTROPHY, PSEUDOHYPERTROPHIC PROGRESSIVE, DUCHENNE TYPE; Duchenne Muscular Dystrophy (DMD). Identifiers: Orphanet 98896, MedGen C0013264, MONDO:0010679, OMIM 310200.
Cardiomyopathy (CMYO). Also called: Cardiomyopathies. Identifiers: Orphanet 167848, MedGen C0878544, MONDO:0004994, HP:0001638. Inheritance: Various modes of inheritance.
Becker muscular dystrophy (BMD). Also called: MUSCULAR DYSTROPHY, PSEUDOHYPERTROPHIC PROGRESSIVE, BECKER TYPE; Becker Muscular Dystrophy (BMD). Identifiers: Orphanet 98895, MedGen C0917713, MONDO:0010311, OMIM 300376.
Cardiovascular phenotype. Identifiers: MedGen CN230736.
DMD-related disorder. Also called: DMD-related condition.
Dilated cardiomyopathy 3B (CMD3B). Also called: CMD3B: DMD-Related Dilated Cardiomyopathy; CARDIOMYOPATHY, DILATED, X-LINKED; DMD-Associated Dilated Cardiomyopathy. Identifiers: Orphanet 154, MedGen C3668940, MONDO:0010542, OMIM 302045.

Allele frequency attached by ClinVar (database versions not stated): ESP Exome Variant Server 0.00009; TOPMed 0.00027.
gnomAD v4.1: 299 of 1,206,364 alleles (0.025%); highest among the groups gnomAD compares: South Asian, 0.13%; no homozygotes.

Submissions (10):

Labcorp Genetics (formerly Invitae), Labcorp
Classification: Benign for Duchenne muscular dystrophy. Last evaluated: 2026-01-26. Review status: criteria provided, single submitter. Criteria: Invitae Variant Classification Sherloc (09022015). Collection method: clinical testing. Allele origin: germline.

Blueprint Genetics
Classification: Likely benign. Last evaluated: 2024-10-28. Review status: criteria provided, single submitter. Criteria: ACMG Guidelines, 2015. Collection method: clinical testing. Allele origin: germline.

CeGaT Center for Human Genetics Tuebingen
Classification: Likely benign. Last evaluated: 2022-07-01. Review status: criteria provided, single submitter. Criteria: CeGaT Center For Human Genetics Tuebingen Variant Classification Criteria Version 2. Collection method: clinical testing. Allele origin: germline. Affected: yes. Observed: 2 variant alleles.
Comment: DMD: BP4, BP7

Ambry Genetics
Classification: Benign for Cardiovascular phenotype. Last evaluated: 2018-10-18. Review status: criteria provided, single submitter. Criteria: Ambry Variant Classification Scheme 2023. Collection method: clinical testing. Allele origin: germline.

GeneDx
Classification: Likely benign. Last evaluated: 2017-07-03. Review status: criteria provided, single submitter. Criteria: GeneDx Variant Classification (06012015). Collection method: clinical testing. Allele origin: germline. Affected: yes.
Comment: This variant is considered likely benign or benign based on one or more of the following criteria: it is a conservative change, it occurs at a poorly conserved position in the protein, it is predicted to be benign by multiple in silico algorithms, and/or has population frequency not consistent with disease.

Illumina Laboratory Services, Illumina
Classification: Uncertain significance for Dilated cardiomyopathy 3B. Last evaluated: 2017-04-28. Review status: criteria provided, single submitter. Criteria: ICSL Variant Classification Criteria 13 December 2019. Collection method: clinical testing. Allele origin: germline.

Laboratory for Molecular Medicine, Mass General Brigham Personalized Medicine
Classification: Likely benign. Last evaluated: 2015-06-30. Review status: criteria provided, single submitter. Criteria: LMM Criteria. Collection method: clinical testing. Allele origin: germline. Observed: 1 variant allele.
Comment: p.Thr2551Thr in exon 52 of DMD: This variant is not expected to have clinical si gnificance because it does not alter an amino acid residue and is not located wi thin the splice consensus sequence. It has been identified in 0.1% (12/10124) of South Asian chromosomes by the Exome Aggregation Consortium (ExAC.; dbSNP rs368803197).

Eurofins Ntd Llc (ga)
Classification: Likely benign. Last evaluated: 2014-08-22. Review status: criteria provided, single submitter. Criteria: EGL Classification Definitions 2015. Collection method: clinical testing. Allele origin: germline. Observed: 3 variant alleles, 2 heterozygotes, 1 hemizygote.

PreventionGenetics, part of Exact Sciences
Classification: Likely benign for DMD-related condition. Last evaluated: 2022-10-26. Review status: no assertion criteria provided. Collection method: clinical testing. Allele origin: germline. Not counted in ClinVar's aggregate classification.
Comment: This variant is classified as likely benign based on ACMG/AMP sequence variant interpretation guidelines (Richards et al. 2015 PMID: 25741868, with internal and published modifications).

Natera, Inc.
Classification: Likely benign for Becker muscular dystrophy; Cardiomyopathy; Duchenne muscular dystrophy; Dystrophin deficiency. Last evaluated: 2019-06-24. Review status: no assertion criteria provided. Collection method: clinical testing. Allele origin: germline. Not counted in ClinVar's aggregate classification.